The following is an entry in ClinVar:

NM_000540.3(RYR1):c.12559C>T (p.Arg4187Cys)

Gene: RYR1 (ryanodine receptor 1; plus strand). Cytogenetic location: 19q13.2.
Variant type: single nucleotide variant.
Coding change: c.12559C>T on transcript NM_000540.3 (MANE Select); coding-DNA position 12559, C replaced by T.
Protein change: p.Arg4187Cys; replaces arginine 4187 with cysteine.
Molecular consequence: missense variant.
Genome position (GRCh38, 1-based): chr19:38,561,389, C>T. VCF-style: chr19-38561389-C-T. GRCh37 (hg19) VCF-style: chr19-39052029-C-T.
Other names: c.12544C>T, p.Arg4182Cys (NM_001042723.2); c.12559C>T (NM_000540.2); short protein forms R4182C, R4187C.
Identifiers: ClinVar variation 1008560 (VCV001008560.7), dbSNP rs761486041, ClinGen allele CA405669665.

ClinVar aggregate classification (germline): Uncertain significance. Review status: criteria provided, multiple submitters, no conflicts (2 of 4 stars). 3 submissions from 3 submitters: Uncertain significance (3). Last evaluated 2026-08-23.

Conditions:
RYR1-related disorder. Also called: RYR1-related condition; RYR1-related disorders. Identifiers: MedGen CN239331.
Malignant hyperthermia, susceptibility to, 1 (MHS1). Also called: Anesthesia related hyperthermia; Malignant hyperpyrexia; Fulminating hyperpyrexia; Pharmacogenic myopathy; Malignant hyperthermia suceptibility 1; RYR1-Related Malignant Hyperthermia Susceptibility. Identifiers: Orphanet 423, MedGen C2930980, MONDO:0007783, OMIM 145600.
Inborn genetic diseases. Identifiers: MedGen C0950123, MeSH D030342.

Allele frequency attached by ClinVar (database versions not stated): gnomAD 0.00001; TOPMed below 0.00001.
gnomAD v4.1: 5 of 1,613,296 alleles (0.00031%); highest among the groups gnomAD compares: South Asian, 0.0011%; no homozygotes.

Submissions (3):

Ambry Genetics
Classification: Uncertain significance for Inborn genetic diseases. Last evaluated: 2026-08-23. Review status: criteria provided, single submitter. Criteria: Ambry Variant Classification Scheme 2023. Collection method: clinical testing. Allele origin: germline.

All of Us Research Program, National Institutes of Health
Classification: Uncertain significance for Malignant hyperthermia, susceptibility to, 1. Last evaluated: 2023-06-28. Review status: criteria provided, single submitter. Criteria: ACMG Guidelines, 2015. Collection method: clinical testing. Allele origin: germline. Inheritance: Autosomal dominant inheritance. Observed: 1 variant allele, 1 heterozygote.
Comment: This study involves interpretation of variants in research participants for the purpose of population health screening. Participant phenotype was not available at the time of variant classification. Additional details can be found in publication PMID: 35346344, PMCID: PMC8962531

Labcorp Genetics (formerly Invitae), Labcorp
Classification: Uncertain significance for RYR1-related disorder. Last evaluated: 2021-09-01. Review status: criteria provided, single submitter. Criteria: Invitae Variant Classification Sherloc (09022015). Collection method: clinical testing. Allele origin: germline.
Comment: This sequence change replaces arginine with cysteine at codon 4187 of the RYR1 protein (p.Arg4187Cys). The arginine residue is moderately conserved and there is a large physicochemical difference between arginine and cysteine. This variant is not present in population databases (ExAC no frequency). This variant has not been reported in the literature in individuals affected with RYR1-related conditions. Algorithms developed to predict the effect of missense changes on protein structure and function are either unavailable or do not agree on the potential impact of this missense change (SIFT: "Deleterious"; PolyPhen-2: "Benign"; Align-GVGD: "Class C0"). In summary, the available evidence is currently insufficient to determine the role of this variant in disease. Therefore, it has been classified as a Variant of Uncertain Significance.